The following is an entry in ClinVar:

ClinVar aggregate classification (germline): Uncertain significance (1 of 4 stars; one submission).

Conditions:
Leukocyte adhesion deficiency 1 (LAD1). Also called: LEUKOCYTE ADHESION DEFICIENCY, TYPE I; LAD 1; Lymphocyte function-associated antigen 1 immunodeficiency; LFA 1 immunodeficiency. Identifiers: Orphanet 2968, Orphanet 99842, MedGen C0398738, MONDO:0007293, OMIM 116920.

Allele frequency attached by ClinVar (database versions not stated): gnomAD exomes below 0.00001; TOPMed 0.00002; gnomAD 0.00003.
gnomAD v4.1: 8 of 1,613,030 alleles (0.0005%); highest among the groups gnomAD compares: African/African-American, 0.0067%; no homozygotes.

Submission:

Labcorp Genetics (formerly Invitae), Labcorp
Classification: Uncertain significance for Leukocyte adhesion deficiency 1. Last evaluated: 2022-06-09. Review status: criteria provided, single submitter. Criteria: Invitae Variant Classification Sherloc (09022015). Collection method: clinical testing. Allele origin: germline.
Comment: In summary, the available evidence is currently insufficient to determine the role of this variant in disease. Therefore, it has been classified as a Variant of Uncertain Significance. Algorithms developed to predict the effect of missense changes on protein structure and function (SIFT, PolyPhen-2, Align-GVGD) all suggest that this variant is likely to be disruptive. This variant has not been reported in the literature in individuals affected with ITGB2-related conditions. This variant is present in population databases (no rsID available, gnomAD 0.007%). This sequence change replaces glycine, which is neutral and non-polar, with serine, which is neutral and polar, at codon 551 of the ITGB2 protein (p.Gly551Ser).

NM_000211.5(ITGB2):c.1651G>A (p.Gly551Ser)

Gene: ITGB2 (integrin subunit beta 2; minus strand). Cytogenetic location: 21q22.3.
Variant type: single nucleotide variant.
Coding change: c.1651G>A on transcript NM_000211.5 (MANE Select); coding-DNA position 1651, G replaced by A.
Protein change: p.Gly551Ser; replaces glycine 551 with serine.
Molecular consequence: missense variant.
Genome position (GRCh38, 1-based): chr21:44,889,984, C>T on the plus strand (G>A on the coding strand, the complement: ITGB2 is on the minus strand). VCF-style: chr21-44889984-C-T. GRCh37 (hg19) VCF-style: chr21-46309899-C-T.
Other names: c.1651G>A, p.Gly551Ser (NM_001127491.3); c.1444G>A, p.Gly482Ser (NM_001303238.2); short protein forms G482S, G551S.
Identifiers: ClinVar variation 2413479 (VCV002413479.8), dbSNP rs900964697, ClinGen allele CA321894533.
Genomic context (GRCh38, chr21:44,889,984, plus strand): 5'-CACCAAGTCTGTGCCGCAGGACGGCCGTTGTCCAGCAGGGACCCACGGGCTCACCCGGGC[C>T]GCCGCAGACCTGGCCGTTGTAGCGCTCACAGTTGATGGTGTCACACTCGCAGTACTGCCC-3'
Protein context (NP_000202.3, residues 541-561): CERYNGQVCG[Gly551Ser]PGRGLCFCGK